The following is an entry in ClinVar:

ClinVar aggregate classification (germline): Likely benign. Review status: criteria provided, multiple submitters, no conflicts (2 of 4 stars). 2 submissions from 2 submitters: Likely benign (2). Last evaluated 2024-02-22.

Conditions:
RYR1-related disorder. Also called: RYR1-related disorders; RYR1-related condition. Identifiers: MedGen CN239331.
Malignant hyperthermia, susceptibility to, 1 (MHS1). Also called: Malignant hyperthermia suceptibility 1; Anesthesia related hyperthermia; Malignant hyperpyrexia; Fulminating hyperpyrexia; Pharmacogenic myopathy; RYR1-Related Malignant Hyperthermia Susceptibility. Identifiers: Orphanet 423, MedGen C2930980, MONDO:0007783, OMIM 145600.

Allele frequency attached by ClinVar (database versions not stated): gnomAD 0.00001.
gnomAD v4.1: 1 of 1,614,240 alleles (0.000062%); highest among the groups gnomAD compares: East Asian, 0.0022%; no homozygotes.

Submissions (2):

All of Us Research Program, National Institutes of Health
Classification: Likely benign for Malignant hyperthermia, susceptibility to, 1. Last evaluated: 2024-02-22. Review status: criteria provided, single submitter. Criteria: ACMG Guidelines, 2015. Collection method: clinical testing. Allele origin: germline. Inheritance: Autosomal dominant inheritance. Observed: 1 variant allele, 1 heterozygote.
Comment: This study involves interpretation of variants in research participants for the purpose of population health screening. Participant phenotype was not available at the time of variant classification. Additional details can be found in publication PMID: 35346344, PMCID: PMC8962531

Labcorp Genetics (formerly Invitae), Labcorp
Classification: Likely benign for RYR1-related disorder. Last evaluated: 2023-11-20. Review status: criteria provided, single submitter. Criteria: Invitae Variant Classification Sherloc (09022015). Collection method: clinical testing. Allele origin: germline.

NM_000540.3(RYR1):c.11859C>G (p.Ala3953=)

Gene: RYR1 (ryanodine receptor 1; plus strand). Cytogenetic location: 19q13.2.
Variant type: single nucleotide variant.
Coding change: c.11859C>G on transcript NM_000540.3 (MANE Select); coding-DNA position 11859, C replaced by G.
Protein change: p.Ala3953=; no amino-acid change (alanine 3953 retained).
Molecular consequence: synonymous variant.
Genome position (GRCh38, 1-based): chr19:38,543,612, C>G. VCF-style: chr19-38543612-C-G. GRCh37 (hg19) VCF-style: chr19-39034252-C-G.
Other names: c.11844C>G, p.Ala3948= (NM_001042723.2).
Identifiers: ClinVar variation 1991486 (VCV001991486.5), dbSNP rs1600988105, ClinGen allele CA507355177.